The following is an entry in ClinVar:

ClinVar aggregate classification (germline): Likely benign. Review status: criteria provided, multiple submitters, no conflicts (2 of 4 stars). 2 submissions from 2 submitters: Likely benign (2). Last evaluated 2025-11-23.

Conditions:
Severe combined immunodeficiency, autosomal recessive, T cell-negative, B cell-negative, NK cell-negative, due to adenosine deaminase deficiency. Also called: ADA deficiency; SCID DUE TO ADA DEFICIENCY; SCID DUE TO ADA DEFICIENCY, EARLY-ONSET; ADA-SCID; Adenosine deaminase deficient severe combined immunodeficiency; Severe combined immunodeficiency due to ADA deficiency. Identifiers: Orphanet 277, MedGen C0392607, MONDO:0007064, OMIM 102700.

Allele frequency attached by ClinVar (database versions not stated): gnomAD exomes 0.00005; TOPMed 0.00015; ExAC 0.00004.
gnomAD v4.1: 46 of 1,565,802 alleles (0.0029%); highest among the groups gnomAD compares: Admixed American, 0.015%; no homozygotes.

Submissions (2):

Labcorp Genetics (formerly Invitae), Labcorp
Classification: Likely benign for Severe combined immunodeficiency, autosomal recessive, T cell-negative, B cell-negative, NK cell-negative, due to adenosine deaminase deficiency. Last evaluated: 2025-11-23. Review status: criteria provided, single submitter. Criteria: Invitae Variant Classification Sherloc (09022015). Collection method: clinical testing. Allele origin: germline.

CeGaT Center for Human Genetics Tuebingen
Classification: Likely benign. Last evaluated: 2025-01-01. Review status: criteria provided, single submitter. Criteria: CeGaT Center For Human Genetics Tuebingen Variant Classification Criteria Version 2. Collection method: clinical testing. Allele origin: germline. Affected: yes. Observed: 1 variant allele.
Comment: ADA: BP4, BP7

NM_000022.4(ADA):c.381C>T (p.Asp127=)

Gene: ADA (adenosine deaminase; minus strand). Cytogenetic location: 20q13.12.
Variant type: single nucleotide variant.
Coding change: c.381C>T on transcript NM_000022.4 (MANE Select); coding-DNA position 381, C replaced by T.
Protein change: p.Asp127=; no amino-acid change (aspartic acid 127 retained).
Molecular consequence: synonymous variant. On other transcripts: non-coding transcript variant (1), intron variant (1).
Genome position (GRCh38, 1-based): chr20:44,625,666, G>A on the plus strand (C>T on the coding strand, the complement: ADA is on the minus strand). VCF-style: chr20-44625666-G-A. GRCh37 (hg19) VCF-style: chr20-43254307-G-A.
Other names: c.381C>T, p.Asp127= (NM_001322051.2); c.73+790C>T (NM_001322050.2).
Identifiers: ClinVar variation 736338 (VCV000736338.23), dbSNP rs7344760, ClinGen allele CA9871682.